The following is an entry in ClinVar:

ClinVar aggregate classification (germline): Uncertain significance (1 of 4 stars; one submission).

Conditions:
Hereditary cancer-predisposing syndrome. Also called: Neoplastic Syndromes, Hereditary; Tumor predisposition; Hereditary neoplastic syndrome; Hereditary Cancer Syndrome. Identifiers: Orphanet 140162, MedGen C0027672, MeSH D009386, MONDO:0015356.

gnomAD v4.1: 3 of 1,614,152 alleles (0.00019%); highest among the groups gnomAD compares: Non-Finnish European, 0.00025%; no homozygotes.

Submission:

Ambry Genetics
Classification: Uncertain significance for Hereditary cancer-predisposing syndrome. Last evaluated: 2024-05-11. Review status: criteria provided, single submitter. Criteria: Ambry Variant Classification Scheme 2023. Collection method: clinical testing. Allele origin: germline.
Comment: The p.H160N variant (also known as c.478C>A), located in coding exon 4 of the SUFU gene, results from a C to A substitution at nucleotide position 478. The histidine at codon 160 is replaced by asparagine, an amino acid with similar properties. This amino acid position is conserved. In addition, the in silico prediction for this alteration is inconclusive. Based on the available evidence, the clinical significance of this variant remains unclear.

NM_016169.4(SUFU):c.478C>A (p.His160Asn)

Gene: SUFU (SUFU negative regulator of hedgehog signaling; plus strand). Cytogenetic location: 10q24.32.
Variant type: single nucleotide variant.
Coding change: c.478C>A on transcript NM_016169.4 (MANE Select); coding-DNA position 478, C replaced by A.
Protein change: p.His160Asn; replaces histidine 160 with asparagine.
Molecular consequence: missense variant.
Genome position (GRCh38, 1-based): chr10:102,592,605, C>A. VCF-style: chr10-102592605-C-A. GRCh37 (hg19) VCF-style: chr10-104352362-C-A.
Other names: c.478C>A, p.His160Asn (NM_001178133.2); short protein forms H160N.
Identifiers: ClinVar variation 3323552 (VCV003323552.1).
Genomic context (GRCh38, chr10:102,592,605, plus strand): 5'-GCCTTGAACAATGAGGATCCTTGTATCTCTCCCACAGAGAACACCTTCTGCAGTGGGGAC[C>A]ATGTGTCCTGGCACAGCCCTTTGGATAACAGTGAGTCAAGAATTCAGCACATGCTGCTGA-3'
Protein context (NP_057253.2, residues 150-170): QSENTFCSGD[His160Asn]VSWHSPLDNS